The following is an entry in ClinVar:

ClinVar aggregate classification (germline): Pathogenic. Review status: criteria provided, single submitter (1 of 4 stars). 2 submissions from 2 submitters: Pathogenic (1). 1 of the submissions does not count toward it. Last evaluated 2025-01-23.

Conditions:
Osteogenesis imperfecta type I (OI1). Also called: Lobstein's Disease; Lobstein disease; Osteogenesis imperfecta type 1; OI, TYPE I; OSTEOGENESIS IMPERFECTA TARDA; OSTEOGENESIS IMPERFECTA WITH BLUE SCLERAE. Identifiers: Orphanet 216796, Orphanet 666, MedGen C0023931, MONDO:0008146, OMIM 166200. Disease mechanism: loss of function.

Submissions (2):

Labcorp Genetics (formerly Invitae), Labcorp
Classification: Pathogenic for Osteogenesis imperfecta type I. Last evaluated: 2025-01-23. Review status: criteria provided, single submitter. Criteria: Invitae Variant Classification Sherloc (09022015). Collection method: clinical testing. Allele origin: germline.
Comment: This sequence change creates a premature translational stop signal (p.Pro1009Leufs*99) in the COL1A1 gene. It is expected to result in an absent or disrupted protein product. Loss-of-function variants in COL1A1 are known to be pathogenic (PMID: 7942841, 9295084, 9443882). This variant is not present in population databases (gnomAD no frequency). This premature translational stop signal has been observed in individual(s) with osteogenesis imperfecta (PMID: 23529829, 27510842). ClinVar contains an entry for this variant (Variation ID: 425616). For these reasons, this variant has been classified as Pathogenic.

Department of Medical Sciences, Uppsala University
Classification: Pathogenic for OI type I. Review status: no assertion criteria provided. Collection method: clinical testing. Allele origin: unknown. Affected: yes. Observed: 1 variant allele. Not counted in ClinVar's aggregate classification.

Literature cited by the submitters: PubMed 7942841 (cited by Labcorp Genetics (formerly Invitae), Labcorp); PubMed 9295084 (cited by Labcorp Genetics (formerly Invitae), Labcorp); PubMed 9443882 (cited by Labcorp Genetics (formerly Invitae), Labcorp); PubMed 23529829 (cited by Labcorp Genetics (formerly Invitae), Labcorp); PubMed 27510842 (cited by Labcorp Genetics (formerly Invitae), Labcorp); PubMed 25944380 (cited by Department of Medical Sciences, Uppsala University).

NM_000088.4(COL1A1):c.3026del (p.Pro1009fs)

Gene: COL1A1 (collagen type I alpha 1 chain; minus strand). Cytogenetic location: 17q21.33.
Variant type: Deletion.
Coding change: c.3026del on transcript NM_000088.4 (MANE Select); coding-DNA position 3026, one base deleted (C; older notation c.3026delC).
Protein change: p.Pro1009fs; shifts the reading frame from proline 1009.
Molecular consequence: frameshift variant.
Genome position (GRCh38, 1-based): chr17:50,188,922, G deleted on the plus strand (C on the coding strand, the reverse complement: COL1A1 is on the minus strand); the first of 5 consecutive G bases (chr17:50,188,922-50,188,926); deleting any one gives the same sequence. VCF-style (leftmost placement, unchanged base first): chr17-50188921-AG-A. GRCh37 (hg19) VCF-style: chr17-48266282-AG-A.
Other names: c.3026delC (NM_000088.3); c.3026del, p.Pro1009fs (LRG_1t1); short protein forms P1009fs.
Identifiers: ClinVar variation 425616 (VCV000425616.6), dbSNP rs1114167396, ClinGen allele CA645294107.